The following is an entry in ClinVar:

NM_001845.6(COL4A1):c.1273C>T (p.Pro425Ser)

Gene: COL4A1 (collagen type IV alpha 1 chain; minus strand). Cytogenetic location: 13q34.
Variant type: single nucleotide variant.
Coding change: c.1273C>T on transcript NM_001845.6 (MANE Select); coding-DNA position 1273, C replaced by T.
Protein change: p.Pro425Ser; replaces proline 425 with serine.
Molecular consequence: missense variant.
Genome position (GRCh38, 1-based): chr13:110,198,479, G>A on the plus strand (C>T on the coding strand, the complement: COL4A1 is on the minus strand). VCF-style: chr13-110198479-G-A. GRCh37 (hg19) VCF-style: chr13-110850826-G-A.
Other names: c.1273C>T, p.Pro425Ser (NM_001303110.2); short protein forms P425S.
Identifiers: ClinVar variation 2897645 (VCV002897645.3), dbSNP rs1277788794, ClinGen allele CA388723905.

ClinVar aggregate classification (germline): Uncertain significance (1 of 4 stars; one submission).

gnomAD v4.1: 3 of 1,613,768 alleles (0.00019%); highest among the groups gnomAD compares: Admixed American, 0.005%; no homozygotes.

Submission:

Labcorp Genetics (formerly Invitae), Labcorp
Classification: Uncertain significance. Last evaluated: 2023-11-24. Review status: criteria provided, single submitter. Criteria: Invitae Variant Classification Sherloc (09022015). Collection method: clinical testing. Allele origin: germline.
Comment: This sequence change replaces proline, which is neutral and non-polar, with serine, which is neutral and polar, at codon 425 of the COL4A1 protein (p.Pro425Ser). This variant is present in population databases (no rsID available, gnomAD 0.006%). This variant has not been reported in the literature in individuals affected with COL4A1-related conditions. Advanced modeling of protein sequence and biophysical properties (such as structural, functional, and spatial information, amino acid conservation, physicochemical variation, residue mobility, and thermodynamic stability) performed at Invitae indicates that this missense variant is not expected to disrupt COL4A1 protein function with a negative predictive value of 95%. In summary, the available evidence is currently insufficient to determine the role of this variant in disease. Therefore, it has been classified as a Variant of Uncertain Significance.